The following is an entry in ClinVar:

NM_000138.5(FBN1):c.1158C>G (p.Asn386Lys)

Gene: FBN1 (fibrillin 1; minus strand). Cytogenetic location: 15q21.1.
Variant type: single nucleotide variant.
Coding change: c.1158C>G on transcript NM_000138.5 (MANE Select); coding-DNA position 1158, C replaced by G.
Protein change: p.Asn386Lys; replaces asparagine 386 with lysine.
Molecular consequence: missense variant.
Genome position (GRCh38, 1-based): chr15:48,516,352, G>C on the plus strand (C>G on the coding strand, the complement: FBN1 is on the minus strand). VCF-style: chr15-48516352-G-C. GRCh37 (hg19) VCF-style: chr15-48808549-G-C.
Other names: short protein forms N386K.
Identifiers: ClinVar variation 263638 (VCV000263638.25), dbSNP rs368737502, ClinGen allele CA043875.

ClinVar aggregate classification (germline): Conflicting classifications of pathogenicity. Review status: criteria provided, conflicting classifications (1 of 4 stars). 8 submissions from 8 submitters: Uncertain significance (3); Benign (1); Likely benign (4). Last evaluated 2026-06-15.

Conditions:
Marfan syndrome (MFS). Also called: MARFAN SYNDROME, TYPE I; FBN1-Related Marfan Syndrome; Marfan syndrome, classic; Marfan syndrome type 1; Marfan's syndrome. Identifiers: Orphanet 284963, Orphanet 558, MedGen C0024796, MONDO:0007947, OMIM 154700.
Familial thoracic aortic aneurysm and aortic dissection (TAAD). Also called: Thoracic aortic aneurysms and dissections. Identifiers: Orphanet 91387, MedGen C4707243, MONDO:0019625.

Allele frequency attached by ClinVar (database versions not stated): TOPMed 0.00003; 1000 Genomes Project 30x 0.00016; 1000 Genomes Project 0.00020.
gnomAD v4.1: 105 of 1,613,674 alleles (0.0065%); highest among the groups gnomAD compares: Admixed American, 0.018%; 1 homozygote.

Submissions (8):

Women's Health and Genetics/Laboratory Corporation of America, LabCorp
Classification: Likely benign. Last evaluated: 2026-06-15. Review status: criteria provided, single submitter. Criteria: LabCorp Variant Classification Summary - May 2015. Collection method: clinical testing. Allele origin: germline.
Comment: Variant summary: FBN1 c.1158C>G (p.Asn386Lys) results in a non-conservative amino acid change in the encoded protein sequence. Algorithms developed to predict the effect of missense changes on protein structure and function are either unavailable or do not agree on the potential impact of this missense change. The variant allele was found at a frequency of 6.5e-05 in 1613674 control chromosomes, predominantly at a frequency of 0.00018 within the Latino subpopulation in the gnomAD database. The observed variant frequency within Latino control individuals in the gnomAD database exceeds the estimated maximal expected allele frequency for disease-causing variants in FBN1. To our knowledge, no occurrence of c.1158C>G in individuals affected with FBN1-related conditions and no experimental evidence demonstrating its impact on protein function have been reported. ClinVar contains an entry for this variant (Variation ID: 263638). Based on the evidence outlined above, the variant was classified as likely benign.

Color Diagnostics, LLC DBA Color Health
Classification: Likely benign for Familial thoracic aortic aneurysm and aortic dissection. Last evaluated: 2025-11-21. Review status: criteria provided, single submitter. Criteria: ACMG Guidelines, 2015. Collection method: clinical testing. Allele origin: germline.

Labcorp Genetics (formerly Invitae), Labcorp
Classification: Benign for Marfan syndrome; Familial thoracic aortic aneurysm and aortic dissection. Last evaluated: 2025-03-26. Review status: criteria provided, single submitter. Criteria: Invitae Variant Classification Sherloc (09022015). Collection method: clinical testing. Allele origin: germline.

Blueprint Genetics
Classification: Likely benign. Last evaluated: 2024-09-05. Review status: criteria provided, single submitter. Criteria: ACMG Guidelines, 2015. Collection method: clinical testing. Allele origin: germline.

All of Us Research Program, National Institutes of Health
Classification: Uncertain significance for Marfan syndrome. Last evaluated: 2024-08-30. Review status: criteria provided, single submitter. Criteria: ACMG Guidelines, 2015. Collection method: clinical testing. Allele origin: germline. Inheritance: Autosomal dominant inheritance. Observed: 17 variant alleles, 17 heterozygotes.
Comment: This missense variant replaces asparagine with lysine at codon 386 of the FBN1 protein. Computational prediction tools indicate that this variant has a neutral impact on protein structure and function. To our knowledge, functional studies have not been reported for this variant. This variant has been reported in an individual affected with bicuspid aortic valve-associated thoracic aortic aneurysm (PMID: 28659821). This variant has been identified in 15/249668 chromosomes in the general population by the Genome Aggregation Database (gnomAD). The elevated variant allele frequency in the general population indicates that this variant may not be disease-causing. However, additional studies are necessary to determine the role of this variant in disease conclusively. Therefore, this variant is classified as a Variant of Uncertain Significance.

This study involves interpretation of variants in research participants for the purpose of population health screening. Participant phenotype was not available at the time of variant classification. Additional details can be found in publication PMID: 35346344, PMCID: PMC8962531

CHEO Genetics Diagnostic Laboratory, Children's Hospital of Eastern Ontario
Classification: Uncertain significance for Familial thoracic aortic aneurysm and aortic dissection. Last evaluated: 2022-02-17. Review status: criteria provided, single submitter. Criteria: ACMG Guidelines, 2015. Collection method: clinical testing. Allele origin: germline.

GeneDx
Classification: Uncertain significance. Last evaluated: 2021-06-10. Review status: criteria provided, single submitter. Criteria: GeneDx Variant Classification Process June 2021. Collection method: clinical testing. Allele origin: germline. Affected: yes.
Comment: Has not been previously published as pathogenic or benign to our knowledge; In silico analysis supports that this missense variant does not alter protein structure/function; This variant is associated with the following publications: (PMID: 27535533)

Ambry Genetics
Classification: Likely benign for Familial thoracic aortic aneurysm and aortic dissection. Last evaluated: 2016-04-20. Review status: criteria provided, single submitter. Criteria: Ambry Variant Classification Scheme 2023. Collection method: clinical testing. Allele origin: germline.

Literature cited by the submitters: PubMed 28659821 (cited by All of Us Research Program, National Institutes of Health).